The following is an entry in ClinVar:

ClinVar aggregate classification (germline): Pathogenic (1 of 4 stars; one submission).

Conditions:
Mucopolysaccharidosis type 6 (MPS6). Also called: N-ACETYLGALACTOSAMINE-4-SULFATASE DEFICIENCY; MPS VI; MPS 6; Maroteaux Lamy syndrome; ARSB DEFICIENCY; ARYLSULFATASE B DEFICIENCY. Identifiers: Orphanet 583, MedGen C0026709, MONDO:0009661, OMIM 253200.

Submission:

Laboratory of Diagnosis and Therapy of Lysosomal Disorders, University of Padova
Classification: Pathogenic for Mucopolysaccharidosis type 6. Last evaluated: 2018-01-01. Review status: criteria provided, single submitter. Criteria: ACMG Guidelines, 2015. Collection method: curation. Allele origin: germline. Affected: yes.
Comment: Exon deletion(PVS1); In vitro functional studies supportive of a damaging effect on the gene product (low to no ARSB activity in homozygotes; PS3); Absent from GnomAD (PM2)

Literature cited by the submitters: PubMed 25797215; PubMed 30118150.

NC_000005.10:g.(78885828_78955294)_(78955503_78964415)del

Genes: ARSB (arylsulfatase B; minus strand), LOC129994125 (ATAC-STARR-seq lymphoblastoid silent region 16126; plus strand), LOC129994124 (ATAC-STARR-seq lymphoblastoid active region 22720; plus strand). Cytogenetic location: 5q14.1.
Variant type: Deletion.
Identifiers: ClinVar variation 559662 (VCV000559662.1).